The following is an entry in ClinVar:

NM_004999.4(MYO6):c.1810T>A (p.Ser604Thr)

Gene: MYO6 (myosin VI; plus strand). Cytogenetic location: 6q14.1.
Variant type: single nucleotide variant.
Coding change: c.1810T>A on transcript NM_004999.4 (MANE Select); coding-DNA position 1810, T replaced by A.
Protein change: p.Ser604Thr; replaces serine 604 with threonine.
Molecular consequence: missense variant. On other transcripts: non-coding transcript variant (1).
Genome position (GRCh38, 1-based): chr6:75,866,971, T>A. VCF-style: chr6-75866971-T-A. GRCh37 (hg19) VCF-style: chr6-76576688-T-A.
Other names: DFNA22; c.1810T>A, p.Ser604Thr (NM_001300899.2, NM_001368136.1, NM_001368137.1 and 2 more transcripts); c.1795T>A, p.Ser599Thr (NM_001368138.1); short protein forms S599T, S604T.
Identifiers: ClinVar variation 3393399 (VCV003393399.1).

ClinVar aggregate classification (germline): Uncertain significance (1 of 4 stars; one submission).

Conditions:
Autosomal dominant nonsyndromic hearing loss 22. Also called: Autosomal dominant nonsyndromic deafness 22; DFNA 22. Identifiers: Orphanet 228012, MedGen C2931767, MONDO:0011660, OMIM 606346.

gnomAD v4.1: 1 of 1,613,972 alleles (0.000062%); no homozygotes.

Submission:

Laboratory of Prof. Karen Avraham, Tel Aviv University
Classification: Uncertain significance for Autosomal dominant nonsyndromic hearing loss 22. Last evaluated: 2024-12-26. Review status: criteria provided, single submitter. Criteria: ACMG Guidelines, 2015. Collection method: research. Allele origin: germline. Affected: yes. Observed: 1 variant allele.
Comment: The MYO6 c.1810T>A:p.(Ser604Thr) heterozygous variant is predicted deleterious and not found in gnomAD.